The following is an entry in ClinVar:

ClinVar aggregate classification (germline): Benign/Likely benign. Review status: criteria provided, multiple submitters, no conflicts (2 of 4 stars). 6 submissions from 6 submitters: Benign (1); Likely benign (4). 1 of the submissions does not count toward it. Last evaluated 2026-01-24.

Conditions:
FANCB-related disorder. Also called: FANCB-related condition.
Fanconi anemia (FA). Also called: Fanconi's anemia. Identifiers: Orphanet 84, MedGen C0015625, MeSH D005199, MONDO:0019391.

Allele frequency attached by ClinVar (database versions not stated): 1000 Genomes Project 30x 0.00021; ExAC 0.00023; gnomAD exomes 0.00024 and 0.00062; 1000 Genomes Project 0.00026; ESP Exome Variant Server 0.00028; gnomAD 0.00036 and 0.00037; TOPMed 0.00036.
gnomAD v4.1: 706 of 1,207,387 alleles (0.058%); highest among the groups gnomAD compares: Non-Finnish European, 0.077%; no homozygotes.

Submissions (6):

Labcorp Genetics (formerly Invitae), Labcorp
Classification: Benign for Fanconi anemia. Last evaluated: 2026-01-24. Review status: criteria provided, single submitter. Criteria: Invitae Variant Classification Sherloc (09022015). Collection method: clinical testing. Allele origin: germline.

CeGaT Center for Human Genetics Tuebingen
Classification: Likely benign. Last evaluated: 2024-02-01. Review status: criteria provided, single submitter. Criteria: CeGaT Center For Human Genetics Tuebingen Variant Classification Criteria Version 2. Collection method: clinical testing. Allele origin: germline. Affected: yes. Observed: 1 variant allele.
Comment: FANCB: BP4, BS2

Blueprint Genetics
Classification: Likely benign. Last evaluated: 2023-05-31. Review status: criteria provided, single submitter. Criteria: ACMG Guidelines, 2015. Collection method: clinical testing. Allele origin: germline.

Genetic Services Laboratory, University of Chicago
Classification: Likely benign. Last evaluated: 2021-08-19. Review status: criteria provided, single submitter. Criteria: ACMG Guidelines, 2015. Collection method: clinical testing. Allele origin: germline. Affected: no.

Sema4
Classification: Likely benign for Fanconi anemia. Last evaluated: 2021-02-07. Review status: criteria provided, single submitter. Criteria: Sema4 Curation Guidelines. Collection method: curation. Allele origin: germline.

PreventionGenetics, part of Exact Sciences
Classification: Likely benign for FANCB-related condition. Last evaluated: 2021-11-20. Review status: no assertion criteria provided. Collection method: clinical testing. Allele origin: germline. Not counted in ClinVar's aggregate classification.
Comment: This variant is classified as likely benign based on ACMG/AMP sequence variant interpretation guidelines (Richards et al. 2015 PMID: 25741868, with internal and published modifications).

NM_001018113.3(FANCB):c.2090C>T (p.Pro697Leu)

Gene: FANCB (FA complementation group B; minus strand). Cytogenetic location: Xp22.2.
Variant type: single nucleotide variant.
Coding change: c.2090C>T on transcript NM_001018113.3 (MANE Select); coding-DNA position 2090, C replaced by T.
Protein change: p.Pro697Leu; replaces proline 697 with leucine.
Molecular consequence: missense variant.
Genome position (GRCh38, 1-based): chrX:14,844,578, G>A on the plus strand (C>T on the coding strand, the complement: FANCB is on the minus strand). VCF-style: chrX-14844578-G-A. GRCh37 (hg19) VCF-style: chrX-14862700-G-A.
Other names: c.2090C>T, p.Pro697Leu (NM_001324162.2, NM_152633.4); short protein forms P697L.
Identifiers: ClinVar variation 246613 (VCV000246613.39), dbSNP rs147255018, ClinGen allele CA10352969.